The following is an entry in ClinVar:

ClinVar aggregate classification (germline): Uncertain significance (1 of 4 stars; one submission).

Conditions:
Bethlem myopathy 1A. Also called: MYOPATHY, BENIGN CONGENITAL, WITH CONTRACTURES; Bethlem myopathy 1; Bethlem Muscular Dystrophy. Identifiers: Orphanet 610, MedGen CN029274, MONDO:0024530, OMIM 158810.

Submission:

Labcorp Genetics (formerly Invitae), Labcorp
Classification: Uncertain significance for Bethlem myopathy 1A. Last evaluated: 2025-11-27. Review status: criteria provided, single submitter. Criteria: Invitae Variant Classification Sherloc (09022015). Collection method: clinical testing. Allele origin: germline.
Comment: This sequence change replaces valine, which is neutral and non-polar, with phenylalanine, which is neutral and non-polar, at codon 1771 of the COL6A3 protein (p.Val1771Phe). This variant is not present in population databases (gnomAD no frequency). This variant has not been reported in the literature in individuals affected with COL6A3-related conditions. Invitae Evidence Modeling of protein sequence and biophysical properties (such as structural, functional, and spatial information, amino acid conservation, physicochemical variation, residue mobility, and thermodynamic stability) indicates that this missense variant is not expected to disrupt COL6A3 protein function with a negative predictive value of 80%. In summary, the available evidence is currently insufficient to determine the role of this variant in disease. Therefore, it has been classified as a Variant of Uncertain Significance.

NM_004369.4(COL6A3):c.5311G>T (p.Val1771Phe)

Gene: COL6A3 (collagen type VI alpha 3 chain; minus strand). Cytogenetic location: 2q37.3.
Variant type: single nucleotide variant.
Coding change: c.5311G>T on transcript NM_004369.4 (MANE Select); coding-DNA position 5311, G replaced by T.
Protein change: p.Val1771Phe; replaces valine 1771 with phenylalanine.
Molecular consequence: missense variant.
Genome position (GRCh38, 1-based): chr2:237,366,876, C>A on the plus strand (G>T on the coding strand, the complement: COL6A3 is on the minus strand). VCF-style: chr2-237366876-C-A. GRCh37 (hg19) VCF-style: chr2-238275519-C-A.
Other names: c.3490G>T, p.Val1164Phe (NM_057166.5); c.4693G>T, p.Val1565Phe (NM_057167.4); short protein forms V1565F, V1771F, V1164F.
Identifiers: ClinVar variation 4738645 (VCV004738645.1).